The following is an entry in ClinVar:

ClinVar aggregate classification (germline): Benign. Review status: criteria provided, multiple submitters, no conflicts (2 of 4 stars). 7 submissions from 7 submitters: Benign (6). 1 of the submissions does not count toward it. Last evaluated 2026-02-02.

Conditions:
Donnai-Barrow syndrome. Also called: DBS/FOAR SYNDROME; FACIOOCULOACOUSTICORENAL SYNDROME. Identifiers: Orphanet 2143, MedGen C1857277, MONDO:0009104, OMIM 222448.

Allele frequency attached by ClinVar (database versions not stated): gnomAD exomes 0.00271 and 0.00745; ExAC 0.00863; gnomAD 0.02503 and 0.02665; TOPMed 0.02927; ESP Exome Variant Server 0.03014; 1000 Genomes Project 0.03055; 1000 Genomes Project 30x 0.03357.
gnomAD v4.1: 7,956 of 1,613,564 alleles (0.49%); highest among the groups gnomAD compares: African/African-American, 8.4%; 271 homozygotes.

Submissions (7):

Labcorp Genetics (formerly Invitae), Labcorp
Classification: Benign. Last evaluated: 2026-02-02. Review status: criteria provided, single submitter. Criteria: Invitae Variant Classification Sherloc (09022015). Collection method: clinical testing. Allele origin: germline.

Fulgent Genetics
Classification: Benign for Donnai-Barrow syndrome. Last evaluated: 2022-05-18. Review status: criteria provided, single submitter. Criteria: ACMG Guidelines, 2015. Collection method: clinical testing. Allele origin: unknown.

Genome-Nilou Lab
Classification: Benign for Donnai-Barrow syndrome. Last evaluated: 2021-07-15. Review status: criteria provided, single submitter. Criteria: ACMG Guidelines, 2015. Collection method: clinical testing. Allele origin: germline. Affected: no.

GeneDx
Classification: Benign. Last evaluated: 2021-05-06. Review status: criteria provided, single submitter. Criteria: GeneDx Variant Classification Process June 2021. Collection method: clinical testing. Allele origin: germline. Affected: yes.

Illumina Laboratory Services, Illumina
Classification: Benign for Donnai-Barrow syndrome. Last evaluated: 2018-01-12. Review status: criteria provided, single submitter. Criteria: ICSL Variant Classification Criteria 13 December 2019. Collection method: clinical testing. Allele origin: germline.
Comment: This variant was observed in the ICSL laboratory as part of a predisposition screen in an ostensibly healthy population. It had not been previously curated by ICSL or reported in the Human Gene Mutation Database (HGMD: prior to June 1st, 2018), and was therefore a candidate for classification through an automated scoring system. Utilizing variant allele frequency, disease prevalence and penetrance estimates, and inheritance mode, an automated score was calculated to assess if this variant is too frequent to cause the disease. Based on the score and internal cut-off values, a variant classified as benign is not then subjected to further curation. The score for this variant resulted in a classification of benign for this disease.

Breakthrough Genomics
Classification: Benign. Review status: criteria provided, single submitter. Criteria: ACMG Guidelines, 2015. Collection method: not provided. Allele origin: germline. Inheritance: Autosomal recessive inheritance. Affected: yes.

Genetic Services Laboratory, University of Chicago
Classification: Likely benign for AllHighlyPenetrant. Review status: no assertion criteria provided. Collection method: clinical testing. Allele origin: germline. Inheritance: Autosomal recessive inheritance. Not counted in ClinVar's aggregate classification.
Comment: Likely benign based on allele frequency in 1000 Genomes Project or ESP global frequency and its presence in a patient with a rare or unrelated disease phenotype. NOT Sanger confirmed.

NM_004525.3(LRP2):c.12151+4T>C

Gene: LRP2 (LDL receptor related protein 2; minus strand). Cytogenetic location: 2q31.1.
Variant type: single nucleotide variant.
Coding change: c.12151+4T>C on transcript NM_004525.3 (MANE Select); 4 bases into the intron after coding-DNA position 12151, T replaced by C.
Molecular consequence: intron variant.
Genome position (GRCh38, 1-based): chr2:169,156,270, A>G on the plus strand (T>C on the coding strand, the complement: LRP2 is on the minus strand). VCF-style: chr2-169156270-A-G. GRCh37 (hg19) VCF-style: chr2-170012780-A-G.
Identifiers: ClinVar variation 129499 (VCV000129499.24), dbSNP rs17848192, ClinGen allele CA153547.